The following is an entry in ClinVar:

ClinVar aggregate classification (germline): Benign. Review status: criteria provided, multiple submitters, no conflicts (2 of 4 stars). 3 submissions from 3 submitters: Benign (2). 1 of the submissions does not count toward it. Last evaluated 2024-11-26.

Conditions:
DNAH17-related disorder. Also called: DNAH17-related condition.

Submissions (3):

Labcorp Genetics (formerly Invitae), Labcorp
Classification: Benign. Last evaluated: 2024-11-26. Review status: criteria provided, single submitter. Criteria: Invitae Variant Classification Sherloc (09022015). Collection method: clinical testing. Allele origin: germline.

GeneDx
Classification: Benign. Last evaluated: 2021-05-04. Review status: criteria provided, single submitter. Criteria: GeneDx Variant Classification Process June 2021. Collection method: clinical testing. Allele origin: germline. Affected: yes.

PreventionGenetics, part of Exact Sciences
Classification: Benign for DNAH17-related condition. Last evaluated: 2019-09-25. Review status: no assertion criteria provided. Collection method: clinical testing. Allele origin: germline. Not counted in ClinVar's aggregate classification.
Comment: This variant is classified as benign based on ACMG/AMP sequence variant interpretation guidelines (Richards et al. 2015 PMID: 25741868, with internal and published modifications).

NM_173628.4(DNAH17):c.7276-27TCCCTCCCCT[3]

Genes: DNAH17 (dynein axonemal heavy chain 17; minus strand), DNAH17-AS1 (DNAH17 antisense RNA 1; plus strand). Cytogenetic location: 17q25.3.
Variant type: Microsatellite.
Coding change: c.7276-27TCCCTCCCCT[3] on transcript NM_173628.4 (MANE Select); three copies in a row of the 10-base unit TCCCTCCCCT starting at c.7276-27; the reference has two copies in a row; one copy, 10 bases duplicated.
Molecular consequence: intron variant.
Genome position (GRCh38, 1-based): chr17:78,485,765-78,485,774, AGGGGAGGGA duplicated on the plus strand (TCCCTCCCCT on the coding strand, the reverse complement: DNAH17 is on the minus strand); duplicating any 10 consecutive bases within chr17:78,485,765-78,485,784 gives the same sequence; the position shown is the placement nearest the transcript's 3' end. VCF-style (leftmost placement, unchanged base first): chr17-78485764-C-CAGGGGAGGGA. GRCh37 (hg19) VCF-style: chr17-76481846-C-CAGGGGAGGGA.
Other names: c.7276-17_7276-8dup10 (NM_173628.3).
Identifiers: ClinVar variation 1282044 (VCV001282044.7), dbSNP rs200138898, ClinGen allele CA8802388.